The following is an entry in ClinVar:

NM_017547.4(FOXRED1):c.9G>A (p.Arg3=)

Genes: FOXRED1 (FAD dependent oxidoreductase domain containing 1; plus strand), LOC130007026 (ATAC-STARR-seq lymphoblastoid active region 5705; plus strand). Cytogenetic location: 11q24.2.
Variant type: single nucleotide variant.
Coding change: c.9G>A on transcript NM_017547.4 (MANE Select); coding-DNA position 9, G replaced by A.
Protein change: p.Arg3=; no amino-acid change (arginine 3 retained).
Molecular consequence: synonymous variant. On other transcripts: non-coding transcript variant (2).
Genome position (GRCh38, 1-based): chr11:126,269,215, G>A. VCF-style: chr11-126269215-G-A. GRCh37 (hg19) VCF-style: chr11-126139110-G-A.
Other names: p.R3R:CGG>CGA.
Identifiers: ClinVar variation 137400 (VCV000137400.19), dbSNP rs28372779, ClinGen allele CA290960.

ClinVar aggregate classification (germline): Conflicting classifications of pathogenicity. Review status: criteria provided, conflicting classifications (1 of 4 stars). 5 submissions from 5 submitters: Uncertain significance (2); Benign (2); Likely benign (1). Last evaluated 2026-01-24.

Conditions:
Mitochondrial complex I deficiency, nuclear type 1. Also called: NADH-COENZYME Q REDUCTASE DEFICIENCY; MITOCHONDRIAL NADH DEHYDROGENASE COMPONENT OF COMPLEX I, DEFICIENCY OF. Identifiers: MedGen C6022305, MONDO:0100224, OMIM 252010.

Allele frequency attached by ClinVar (database versions not stated): 1000 Genomes Project 30x 0.00031; ESP Exome Variant Server 0.00031; TOPMed 0.00033; 1000 Genomes Project 0.00040.
gnomAD v4.1: 330 of 1,613,622 alleles (0.02%); highest among the groups gnomAD compares: East Asian, 0.071%; 1 homozygote.

Submissions (5):

Labcorp Genetics (formerly Invitae), Labcorp
Classification: Benign. Last evaluated: 2026-01-24. Review status: criteria provided, single submitter. Criteria: Invitae Variant Classification Sherloc (09022015). Collection method: clinical testing. Allele origin: germline.

Blueprint Genetics
Classification: Likely benign. Last evaluated: 2024-06-10. Review status: criteria provided, single submitter. Criteria: ACMG Guidelines, 2015. Collection method: clinical testing. Allele origin: germline.

Illumina Laboratory Services, Illumina
Classification: Uncertain significance for Mitochondrial complex I deficiency, nuclear type 1. Last evaluated: 2018-01-12. Review status: criteria provided, single submitter. Criteria: ICSL Variant Classification Criteria 13 December 2019. Collection method: clinical testing. Allele origin: germline.

Eurofins Ntd Llc (ga)
Classification: Uncertain significance. Last evaluated: 2016-09-13. Review status: criteria provided, single submitter. Criteria: EGL Classification Definitions 2015. Collection method: clinical testing. Allele origin: germline. Observed: 1 variant allele, 1 heterozygote.

GeneDx
Classification: Benign. Last evaluated: 2014-05-05. Review status: criteria provided, single submitter. Criteria: GeneDx Variant Classification (06012015). Collection method: clinical testing. Allele origin: germline. Affected: yes.
Comment: This variant is considered likely benign or benign based on one or more of the following criteria: it is a conservative change, it occurs at a poorly conserved position in the protein, it is predicted to be benign by multiple in silico algorithms, and/or has population frequency not consistent with disease.